The following is an entry in ClinVar:

NM_153717.3(EVC):c.180C>T (p.Asp60=)

Gene: EVC (EvC ciliary complex subunit 1; plus strand). Cytogenetic location: 4p16.2.
Variant type: single nucleotide variant.
Coding change: c.180C>T on transcript NM_153717.3 (MANE Select); coding-DNA position 180, C replaced by T.
Protein change: p.Asp60=; no amino-acid change (aspartic acid 60 retained).
Molecular consequence: synonymous variant.
Genome position (GRCh38, 1-based): chr4:5,719,253, C>T. VCF-style: chr4-5719253-C-T. GRCh37 (hg19) VCF-style: chr4-5720980-C-T.
Other names: c.180C>T, p.Asp60= (NM_001306090.2, NM_001306092.2).
Identifiers: ClinVar variation 720579 (VCV000720579.13), dbSNP rs755788871, ClinGen allele CA2835587.
Genomic context (GRCh38, chr4:5,719,253, plus strand): 5'-CTGACCTCAATGTTGTGTTTCTATCCACCCCCAACTCCTGACCTTCGGGTTTTAGAAAGA[C>T]GACACTCAAAATCTGCTCAAGAATTTGGAGTCTAATGCGCAGACCCCCTCGGAAACTGGC-3'
Protein context (NP_714928.1, residues 50-70): AGRQRTRHQK[Asp60=]DTQNLLKNLE

ClinVar aggregate classification (germline): Likely benign. Review status: criteria provided, multiple submitters, no conflicts (2 of 4 stars). 2 submissions from 2 submitters: Likely benign (2). Last evaluated 2026-04-01.

Conditions:
Ellis-van Creveld syndrome (EVC). Also called: MESOECTODERMAL DYSPLASIA; Chondroectodermal dysplasia. Identifiers: Orphanet 289, MedGen C0013903, MONDO:0009162, OMIM 225500.
Curry-Hall syndrome (WAD). Also called: WEYERS ACRODENTAL DYSOSTOSIS. Identifiers: Orphanet 952, MedGen C0457013, MONDO:0008673, OMIM 193530.

Allele frequency attached by ClinVar (database versions not stated): gnomAD exomes 0.00001 and 0.00002; ExAC 0.00003; gnomAD 0.00003.
gnomAD v4.1: 15 of 1,613,984 alleles (0.00093%); highest among the groups gnomAD compares: East Asian, 0.0022%; no homozygotes.

Submissions (2):

CeGaT Center for Human Genetics Tuebingen
Classification: Likely benign. Last evaluated: 2026-04-01. Review status: criteria provided, single submitter. Criteria: CeGaT Center For Human Genetics Tuebingen Variant Classification Criteria Version 2. Collection method: clinical testing. Allele origin: germline. Affected: yes. Observed: 1 variant allele.
Comment: EVC: BP4, BP7

Labcorp Genetics (formerly Invitae), Labcorp
Classification: Likely benign for Curry-Hall syndrome; Ellis-van Creveld syndrome. Last evaluated: 2025-12-03. Review status: criteria provided, single submitter. Criteria: Invitae Variant Classification Sherloc (09022015). Collection method: clinical testing. Allele origin: germline.